The following is an entry in ClinVar:

NM_001128205.2(SULF1):c.304A>C (p.Asn102His)

Gene: SULF1 (sulfatase 1; plus strand). Cytogenetic location: 8q13.2.
Variant type: single nucleotide variant.
Coding change: c.304A>C on transcript NM_001128205.2 (MANE Select); coding-DNA position 304, A replaced by C.
Protein change: p.Asn102His; replaces asparagine 102 with histidine.
Molecular consequence: missense variant. On other transcripts: non-coding transcript variant (2).
Genome position (GRCh38, 1-based): chr8:69,576,101, A>C. VCF-style: chr8-69576101-A-C. GRCh37 (hg19) VCF-style: chr8-70488336-A-C.
Other names: c.304A>C, p.Asn102His (NM_001128204.2, NM_001128206.2, NM_001412828.1 and 19 more transcripts); c.118A>C, p.Asn40His (NM_001412841.1, NM_001412842.1); c.-223A>C (NM_001412844.1, NM_001412845.1); c.-1398A>C (NM_001412846.1); short protein forms N102H, N40H.
Identifiers: ClinVar variation 2090783 (VCV002090783.4), dbSNP rs2537044677, ClinGen allele CA371224206.

ClinVar aggregate classification (germline): Uncertain significance (1 of 4 stars; one submission).

Allele frequency attached by ClinVar (database versions not stated): gnomAD exomes below 0.00001.
gnomAD v4.1: 1 of 1,614,186 alleles (0.000062%); highest among the groups gnomAD compares: Non-Finnish European, 0.000085%; no homozygotes.

Submission:

Labcorp Genetics (formerly Invitae), Labcorp
Classification: Uncertain significance. Last evaluated: 2025-03-17. Review status: criteria provided, single submitter. Criteria: Invitae Variant Classification Sherloc (09022015). Collection method: clinical testing. Allele origin: germline.
Comment: This sequence change replaces asparagine, which is neutral and polar, with histidine, which is basic and polar, at codon 102 of the SULF1 protein (p.Asn102His). This variant is not present in population databases (gnomAD no frequency). This variant has not been reported in the literature in individuals affected with SULF1-related conditions. ClinVar contains an entry for this variant (Variation ID: 2090783). An algorithm developed to predict the effect of missense changes on protein structure and function (PolyPhen-2) suggests that this variant is likely to be disruptive. In summary, the available evidence is currently insufficient to determine the role of this variant in disease. Therefore, it has been classified as a Variant of Uncertain Significance.